The following is an entry in ClinVar:

NM_000322.5(PRPH2):c.641G>C (p.Cys214Ser)

Gene: PRPH2 (peripherin 2; minus strand). Cytogenetic location: 6p21.1.
Variant type: single nucleotide variant.
Coding change: c.641G>C on transcript NM_000322.5 (MANE Select); coding-DNA position 641, G replaced by C.
Protein change: p.Cys214Ser; replaces cysteine 214 with serine.
Molecular consequence: missense variant.
Genome position (GRCh38, 1-based): chr6:42,704,552, C>G on the plus strand (G>C on the coding strand, the complement: PRPH2 is on the minus strand). VCF-style: chr6-42704552-C-G. GRCh37 (hg19) VCF-style: chr6-42672290-C-G.
Other names: short protein forms C214S.
Identifiers: ClinVar variation 98694 (VCV000098694.2), dbSNP rs61755804, ClinGen allele CA226281.

ClinVar aggregate classification (germline): Pathogenic. Review status: no assertion criteria provided (0 of 4 stars). 2 submissions from 2 submitters: Pathogenic (1). 1 of the submissions does not count toward it. Last evaluated 2021-04-06.

Submissions (2):

Leiden Open Variation Database
Classification: Pathogenic. Last evaluated: 2021-04-06. Review status: no assertion criteria provided. Collection method: curation. Allele origin: germline. Affected: yes.
Comment: Curator: Global Variome, with Curator vacancy. Submitter to LOVD: Manon Peeters.

Retina International
No classification provided. Review status: no classification provided. Collection method: not provided. Allele origin: not provided. Not counted in ClinVar's aggregate classification.

Literature cited by the submitters: PubMed 8244346 (cited by Leiden Open Variation Database).